The following is an entry in ClinVar:

ClinVar aggregate classification (germline): Conflicting classifications of pathogenicity. Review status: criteria provided, conflicting classifications (1 of 4 stars). 5 submissions from 5 submitters: Uncertain significance (3); Likely benign (1). 1 of the submissions does not count toward it. Last evaluated 2026-03-01.

Conditions:
Familial hyperaldosteronism type II. Also called: FH II. Identifiers: Orphanet 404, MedGen C1854107, MONDO:0011576, OMIM 605635.
Epilepsy, idiopathic generalized, susceptibility to, 11 (EIG11). Identifiers: Orphanet 307, MedGen C2750893, MONDO:0011875, OMIM 607628.
Leukoencephalopathy with mild cerebellar ataxia and white matter edema (LKPAT). Also called: CLCN2-Related Leukoencephalopathy; Leukoencephalopathy with ataxia; Leukoencephalopathy with white matter edema; Brain white matter edema. Identifiers: Orphanet 363540, MedGen C4554120, MONDO:0014292, OMIM 615651. Disease mechanism: loss of function.

Allele frequency attached by ClinVar (database versions not stated): ESP Exome Variant Server 0.00008; TOPMed 0.00035; gnomAD 0.00043 and 0.00044; gnomAD exomes 0.00044 and 0.00050; ExAC 0.00082.
gnomAD v4.1: 788 of 1,603,248 alleles (0.049%); highest among the groups gnomAD compares: Non-Finnish European, 0.062%; 2 homozygotes.

Submissions (6):

CeGaT Center for Human Genetics Tuebingen
Classification: Likely benign. Last evaluated: 2026-03-01. Review status: criteria provided, single submitter. Criteria: CeGaT Center For Human Genetics Tuebingen Variant Classification Criteria Version 2. Collection method: clinical testing. Allele origin: germline. Affected: yes. Observed: 4 variant alleles.
Comment: CLCN2: BP4

Labcorp Genetics (formerly Invitae), Labcorp
Classification: Uncertain significance. Last evaluated: 2026-02-01. Review status: criteria provided, single submitter. Criteria: Invitae Variant Classification Sherloc (09022015). Collection method: clinical testing. Allele origin: germline.
Comment: This sequence change falls in intron 16 of the CLCN2 gene. It does not directly change the encoded amino acid sequence of the CLCN2 protein. It affects a nucleotide within the consensus splice site. This variant is present in population databases (rs371193424, gnomAD 0.1%), and has an allele count higher than expected for a pathogenic variant. This variant has been observed in individual(s) with epilepsy (PMID: 15505175, 36435927). ClinVar contains an entry for this variant (Variation ID: 217773). Variants that disrupt the consensus splice site are a relatively common cause of aberrant splicing (PMID: 17576681, 9536098). Algorithms developed to predict the effect of sequence changes on RNA splicing suggest that this variant is not likely to affect RNA splicing. In summary, the available evidence is currently insufficient to determine the role of this variant in disease. Therefore, it has been classified as a Variant of Uncertain Significance.

Blueprint Genetics
Classification: Uncertain significance. Last evaluated: 2024-10-24. Review status: criteria provided, single submitter. Criteria: ACMG Guidelines, 2015. Collection method: clinical testing. Allele origin: germline.

Fulgent Genetics
Classification: Uncertain significance for Familial hyperaldosteronism type II; Epilepsy, idiopathic generalized, susceptibility to, 11; Leukoencephalopathy with mild cerebellar ataxia and white matter edema. Last evaluated: 2024-03-12. Review status: criteria provided, single submitter. Criteria: ACMG Guidelines, 2015. Collection method: clinical testing. Allele origin: germline.

Dr. Peter K. Rogan Lab, Western University
No classification provided (evidence only). Condition: Nonpapillary renal cell carcinoma. Review status: no classification provided. Collection method: in vitro. Allele origin: not applicable. Functional consequence: retained intron. Not counted in ClinVar's aggregate classification.

GeneReviews
No classification provided. Condition: Leukoencephalopathy with mild cerebellar ataxia and white matter edema. Review status: no classification provided. Collection method: literature only. Allele origin: germline. Affected: yes. Not counted in ClinVar's aggregate classification.

Literature cited by the submitters: PubMed 15505175 (cited by Labcorp Genetics (formerly Invitae), Labcorp and GeneReviews); PubMed 36435927 (cited by Labcorp Genetics (formerly Invitae), Labcorp); PubMed 17576681 (cited by Labcorp Genetics (formerly Invitae), Labcorp); PubMed 9536098 (cited by Labcorp Genetics (formerly Invitae), Labcorp); NCBI Bookshelf NBK326661 (cited by GeneReviews).

NM_004366.6(CLCN2):c.1856-3C>T

Gene: CLCN2 (chloride voltage-gated channel 2; minus strand). Cytogenetic location: 3q27.1.
Variant type: single nucleotide variant.
Coding change: c.1856-3C>T on transcript NM_004366.6 (MANE Select); 3 bases into the intron before coding-DNA position 1856, C replaced by T.
Molecular consequence: intron variant.
Genome position (GRCh38, 1-based): chr3:184,353,425, G>A on the plus strand (C>T on the coding strand, the complement: CLCN2 is on the minus strand). VCF-style: chr3-184353425-G-A. GRCh37 (hg19) VCF-style: chr3-184071213-G-A.
Other names: c.1724-3C>T (NM_001171088.3); c.1805-3C>T (NM_001171087.3); c.1856-3C>T (NM_001171089.3).
Identifiers: ClinVar variation 217773 (VCV000217773.52), dbSNP rs371193424, ClinGen allele CA347635.
Genomic context (GRCh38, chr3:184,353,425, plus strand): 5'-GCCCCCAACAATGCCACCACCTGTGAACGCTCGATGGAGCCCAGCAGAATCATGGACTCT[G>A]GACAGAACAGGTGGAAGGACTCAGGAGCTGAGAGGGAGCCCTCCAGCCCCGTCCTTCTCT-3'